The following is an entry in ClinVar:

NM_005591.4(MRE11):c.2048G>A (p.Gly683Glu)

Gene: MRE11 (MRE11 double strand break repair nuclease; minus strand). Cytogenetic location: 11q21.
Variant type: single nucleotide variant.
Coding change: c.2048G>A on transcript NM_005591.4 (MANE Select); coding-DNA position 2048, G replaced by A.
Protein change: p.Gly683Glu; replaces glycine 683 with glutamic acid.
Molecular consequence: missense variant.
Genome position (GRCh38, 1-based): chr11:94,429,933, C>T on the plus strand (G>A on the coding strand, the complement: MRE11 is on the minus strand). VCF-style: chr11-94429933-C-T. GRCh37 (hg19) VCF-style: chr11-94163099-C-T.
Other names: c.2045G>A, p.Gly682Glu (NM_001330347.2); c.1964G>A, p.Gly655Glu (NM_005590.4); short protein forms G682E, G655E, G683E.
Identifiers: ClinVar variation 820604 (VCV000820604.10), dbSNP rs764705257, ClinGen allele CA6234912.

ClinVar aggregate classification (germline): Uncertain significance. Review status: criteria provided, multiple submitters, no conflicts (2 of 4 stars). 2 submissions from 2 submitters: Uncertain significance (2). Last evaluated 2023-11-28.

Conditions:
Hereditary cancer-predisposing syndrome. Also called: Neoplastic Syndromes, Hereditary; Tumor predisposition; Hereditary Cancer Syndrome; Hereditary neoplastic syndrome. Identifiers: Orphanet 140162, MedGen C0027672, MeSH D009386, MONDO:0015356.
Ataxia-telangiectasia-like disorder (ATLD). Identifiers: MedGen C1858391, MONDO:0011457.

Allele frequency attached by ClinVar (database versions not stated): ExAC 0.00001; gnomAD exomes 0.00001 and 0.00002; TOPMed 0.00002; gnomAD 0.00003.
gnomAD v4.1: 12 of 1,613,550 alleles (0.00074%); highest among the groups gnomAD compares: Admixed American, 0.018%; no homozygotes.

Submissions (2):

Labcorp Genetics (formerly Invitae), Labcorp
Classification: Uncertain significance for Ataxia-telangiectasia-like disorder. Last evaluated: 2023-11-28. Review status: criteria provided, single submitter. Criteria: Invitae Variant Classification Sherloc (09022015). Collection method: clinical testing. Allele origin: germline.
Comment: This sequence change replaces glycine, which is neutral and non-polar, with glutamic acid, which is acidic and polar, at codon 683 of the MRE11 protein (p.Gly683Glu). This variant is present in population databases (rs764705257, gnomAD 0.02%). This variant has not been reported in the literature in individuals affected with MRE11-related conditions. ClinVar contains an entry for this variant (Variation ID: 820604). An algorithm developed to predict the effect of missense changes on protein structure and function (PolyPhen-2) suggests that this variant is likely to be disruptive. In summary, the available evidence is currently insufficient to determine the role of this variant in disease. Therefore, it has been classified as a Variant of Uncertain Significance.

Ambry Genetics
Classification: Uncertain significance for Hereditary cancer-predisposing syndrome. Last evaluated: 2022-04-22. Review status: criteria provided, single submitter. Criteria: Ambry Variant Classification Scheme 2023. Collection method: clinical testing. Allele origin: germline.
Comment: The p.G683E variant (also known as c.2048G>A), located in coding exon 18 of the MRE11A gene, results from a G to A substitution at nucleotide position 2048. The glycine at codon 683 is replaced by glutamic acid, an amino acid with similar properties. This amino acid position is highly conserved in available vertebrate species. In addition, the in silico prediction for this alteration is inconclusive. Since supporting evidence is limited at this time, the clinical significance of this alteration remains unclear.